The following is an entry in ClinVar:

ClinVar aggregate classification (germline): Conflicting classifications of pathogenicity. Review status: criteria provided, conflicting classifications (1 of 4 stars). 5 submissions from 5 submitters: Uncertain significance (4); Likely benign (1). Last evaluated 2025-12-26.

Conditions:
Hereditary cancer-predisposing syndrome. Also called: Hereditary neoplastic syndrome; Neoplastic Syndromes, Hereditary; Tumor predisposition; Hereditary Cancer Syndrome. Identifiers: Orphanet 140162, MedGen C0027672, MeSH D009386, MONDO:0015356.
Fanconi anemia complementation group O. Also called: RAD51C-Related Fanconi Anemia. Identifiers: Orphanet 84, MedGen C3150653, MONDO:0013248, OMIM 613390.
Breast-ovarian cancer, familial, susceptibility to, 3. Also called: RAD51C-Related Breast/Ovarian Cancer. Identifiers: Orphanet 145, MedGen C3150659, MONDO:0013253, OMIM 613399.

Allele frequency attached by ClinVar (database versions not stated): gnomAD exomes below 0.00001 and 0.00001; ExAC 0.00001.
gnomAD v4.1: 3 of 1,614,210 alleles (0.00019%); highest among the groups gnomAD compares: Admixed American, 0.0033%; no homozygotes.

Submissions (5):

Labcorp Genetics (formerly Invitae), Labcorp
Classification: Uncertain significance for Fanconi anemia complementation group O. Last evaluated: 2025-12-26. Review status: criteria provided, single submitter. Criteria: Invitae Variant Classification Sherloc (09022015). Collection method: clinical testing. Allele origin: germline.
Comment: This sequence change replaces cysteine, which is neutral and slightly polar, with tyrosine, which is neutral and polar, at codon 147 of the RAD51C protein (p.Cys147Tyr). This variant is present in population databases (rs764177838, gnomAD 0.0009%). This variant has not been reported in the literature in individuals affected with RAD51C-related conditions. ClinVar contains an entry for this variant (Variation ID: 484757). Invitae Evidence Modeling of protein sequence and biophysical properties (such as structural, functional, and spatial information, amino acid conservation, physicochemical variation, residue mobility, and thermodynamic stability) indicates that this missense variant is not expected to disrupt RAD51C protein function with a negative predictive value of 80%. Experimental studies have shown that this missense change does not substantially affect RAD51C function (PMID: 37253112). In summary, the available evidence is currently insufficient to determine the role of this variant in disease. Therefore, it has been classified as a Variant of Uncertain Significance.

Ambry Genetics
Classification: Likely benign for Hereditary cancer-predisposing syndrome. Last evaluated: 2025-02-05. Review status: criteria provided, single submitter. Criteria: Ambry Variant Classification Scheme 2023. Collection method: clinical testing. Allele origin: germline.

Baylor Genetics
Classification: Uncertain significance for Breast-ovarian cancer, familial, susceptibility to, 3. Last evaluated: 2024-03-19. Review status: criteria provided, single submitter. Criteria: ACMG Guidelines, 2015. Collection method: clinical testing. Allele origin: unknown.

Color Diagnostics, LLC DBA Color Health
Classification: Uncertain significance for Hereditary cancer-predisposing syndrome. Last evaluated: 2023-10-04. Review status: criteria provided, single submitter. Criteria: ACMG Guidelines, 2015. Collection method: clinical testing. Allele origin: germline.
Comment: This missense variant replaces cysteine with tyrosine at codon 147 of the RAD51C protein. Computational prediction suggests that this variant may not impact protein structure and function (internally defined REVEL score threshold <= 0.5, PMID: 27666373). A functional study has reported that this variant does not affect RAD51C in a homology-directed DNA repair assay and in a RAD51 foci formation assay (PMID: 37253112). This variant has not been reported in individuals affected with hereditary cancer in the literature. This variant has been identified in 1/251488 chromosomes in the general population by the Genome Aggregation Database (gnomAD). The available evidence is insufficient to determine the role of this variant in disease conclusively. Therefore, this variant is classified as a Variant of Uncertain Significance.

Quest Diagnostics Nichols Institute San Juan Capistrano
Classification: Uncertain significance. Last evaluated: 2019-03-05. Review status: criteria provided, single submitter. Criteria: Quest Diagnostics criteria. Collection method: clinical testing. Allele origin: germline.

Literature cited by the submitters: PubMed 37253112 (cited by 3 submitters).

NM_058216.3(RAD51C):c.440G>A (p.Cys147Tyr)

Gene: RAD51C (RAD51 paralog C; plus strand). Cytogenetic location: 17q22.
Variant type: single nucleotide variant.
Coding change: c.440G>A on transcript NM_058216.3 (MANE Select); coding-DNA position 440, G replaced by A.
Protein change: p.Cys147Tyr; replaces cysteine 147 with tyrosine.
Molecular consequence: missense variant.
Genome position (GRCh38, 1-based): chr17:58,696,728, G>A. VCF-style: chr17-58696728-G-A. GRCh37 (hg19) VCF-style: chr17-56774089-G-A.
Other names: c.440G>A (LRG_314t1); short protein forms C147Y.
Identifiers: ClinVar variation 484757 (VCV000484757.19), dbSNP rs764177838, ClinGen allele CA8677227.